The following is an entry in ClinVar:

ClinVar aggregate classification (germline): Uncertain significance. Review status: criteria provided, multiple submitters, no conflicts (2 of 4 stars). 3 submissions from 3 submitters: Uncertain significance (3). Last evaluated 2025-11-16.

Conditions:
Hereditary cancer-predisposing syndrome. Also called: Neoplastic Syndromes, Hereditary; Hereditary Cancer Syndrome; Tumor predisposition; Hereditary neoplastic syndrome. Identifiers: Orphanet 140162, MedGen C0027672, MeSH D009386, MONDO:0015356.
Mitochondrial complex II deficiency, nuclear type 1. Also called: SUCCINATE CoQ REDUCTASE DEFICIENCY. Identifiers: Orphanet 3208, MedGen C5700310, MONDO:0100294, OMIM 252011.
Pheochromocytoma/paraganglioma syndrome 5. Also called: SDHA-Related Hereditary Paraganglioma-Pheochromocytoma Syndrome; Paragangliomas 5. Identifiers: Orphanet 29072, MedGen C3279992, MONDO:0013602, OMIM 614165.

Submissions (3):

Labcorp Genetics (formerly Invitae), Labcorp
Classification: Uncertain significance for Pheochromocytoma/paraganglioma syndrome 5; Mitochondrial complex II deficiency, nuclear type 1. Last evaluated: 2025-11-16. Review status: criteria provided, single submitter. Criteria: Invitae Variant Classification Sherloc (09022015). Collection method: clinical testing. Allele origin: germline.
Comment: This sequence change replaces valine, which is neutral and non-polar, with isoleucine, which is neutral and non-polar, at codon 333 of the SDHA protein (p.Val333Ile). Information on the frequency of this variant in the gnomAD database is not available, as this variant may be reported differently in the database. This variant has not been reported in the literature in individuals affected with SDHA-related conditions. ClinVar contains an entry for this variant (Variation ID: 412369). Experimental studies and prediction algorithms are not available or were not evaluated, and the functional significance of this variant is currently unknown. In summary, the available evidence is currently insufficient to determine the role of this variant in disease. Therefore, it has been classified as a Variant of Uncertain Significance.

Ambry Genetics
Classification: Uncertain significance for Hereditary cancer-predisposing syndrome. Last evaluated: 2025-08-21. Review status: criteria provided, single submitter. Criteria: Ambry Variant Classification Scheme 2023. Collection method: clinical testing. Allele origin: germline.
Comment: The c.996_997delTGinsCA variant (also known as p.V333I ), located in coding exon 8 of the SDHA gene, results from an in-frame deletion of TG and insertion of CA at nucleotide positions 996 to 997. This results in the substitution of the valine residue for a isoleucine residue at codon 333, an amino acid with highly similar properties. This amino acid position is not well conserved in available vertebrate species. In addition, this variant is predicted to be neutral by in silico analysis (Choi Y et al. PLoS ONE. 2012; 7(10):e46688). Based on the available evidence, the clinical significance of this variant remains unclear.

GeneDx
Classification: Uncertain significance. Last evaluated: 2024-05-21. Review status: criteria provided, single submitter. Criteria: GeneDx Variant Classification Process June 2021. Collection method: clinical testing. Allele origin: germline. Affected: yes.
Comment: Not observed at significant frequency in large population cohorts (gnomAD); In silico analysis supports a deleterious effect on protein structure/function; Has not been previously published as pathogenic or benign to our knowledge

NM_004168.4(SDHA):c.996_997inv (p.Val333Ile)

Gene: SDHA (succinate dehydrogenase complex flavoprotein subunit A; plus strand). Cytogenetic location: 5p15.33.
Variant type: Inversion.
Coding change: c.996_997inv on transcript NM_004168.4 (MANE Select).
Protein change: p.Val333Ile; replaces valine 333 with isoleucine.
Molecular consequence: missense variant.
Genome position: GRCh38 VCF-style: chr5-233577-TG-CA. GRCh37 (hg19) VCF-style: chr5-233692-TG-CA.
Other names: c.852_853inv, p.Val285Ile (NM_001294332.2); c.996_997inv, p.Val333Ile (NM_001330758.2); c.996_997delinsCA (NM_004168.2); short protein forms V285I, V333I.
Identifiers: ClinVar variation 412369 (VCV000412369.14), ClinGen allele CA16611881.
Genomic context (GRCh38, chr5:233,577, plus strand): 5'-TGGAGAGGGAGGCATTCTCATTAACAGTCAAGGCGAAAGGTTTATGGAGCGATACGCCCC[TG>CA]TCGCGAAGGACCTGGCGTCTAGAGATGTGGTGTCTCGGTCCATGACTCTGGAGATCCGAG-3'
Protein context (NP_004159.2, residues 323-343): GERFMERYAP[Val333Ile]AKDLASRDVV